The following is an entry in ClinVar:

NM_001927.4(DES):c.206T>C (p.Leu69Pro)

Gene: DES (desmin; plus strand). Cytogenetic location: 2q35.
Variant type: single nucleotide variant.
Coding change: c.206T>C on transcript NM_001927.4 (MANE Select); coding-DNA position 206, T replaced by C.
Protein change: p.Leu69Pro; replaces leucine 69 with proline.
Molecular consequence: missense variant.
Genome position (GRCh38, 1-based): chr2:219,418,668, T>C. VCF-style: chr2-219418668-T-C. GRCh37 (hg19) VCF-style: chr2-220283390-T-C.
Other names: c.206T>C, p.Leu69Pro (NM_001382708.1, NM_001382709.1, NM_001382710.1 and 3 more transcripts); short protein forms L69P.
Identifiers: ClinVar variation 1785367 (VCV001785367.11), dbSNP rs1200347906, ClinGen allele CA350683882.
Genomic context (GRCh38, chr2:219,418,668, plus strand): 5'-TGACGTCCCGCGTGTACCAGGTGTCGCGCACGTCGGGCGGGGCCGGGGGCCTGGGGTCGC[T>C]GCGGGCCAGCCGGCTGGGGACCACCCGCACGCCCTCCTCCTACGGCGCAGGCGAGCTGCT-3'
Protein context (NP_001918.3, residues 59-79): TSGGAGGLGS[Leu69Pro]RASRLGTTRT

ClinVar aggregate classification (germline): Uncertain significance. Review status: criteria provided, multiple submitters, no conflicts (2 of 4 stars). 4 submissions from 4 submitters: Uncertain significance (4). Last evaluated 2026-01-12.

Conditions:
Cardiovascular phenotype. Identifiers: MedGen CN230736.
Desmin-related myofibrillar myopathy (MFM1). Also called: Desminopathy; Desmin related myopathy (former name); Desmin storage myopathy (former name); MYOFIBRILLAR MYOPATHY WITH ARRHYTHMOGENIC RIGHT VENTRICULAR CARDIOMYOPATHY; DESMIN-RELATED MYOPATHY WITH ARRHYTHMOGENIC RIGHT VENTRICULAR CARDIOMYOPATHY; Myofibrillar myopathy 1. Identifiers: Orphanet 363543, Orphanet 98909, MedGen C1832370, MONDO:0011076, OMIM 601419.

Allele frequency attached by ClinVar (database versions not stated): TOPMed below 0.00001; gnomAD 0.00001; gnomAD exomes 0.00001.

Submissions (4):

Labcorp Genetics (formerly Invitae), Labcorp
Classification: Uncertain significance for Desmin-related myofibrillar myopathy. Last evaluated: 2026-01-12. Review status: criteria provided, single submitter. Criteria: Invitae Variant Classification Sherloc (09022015). Collection method: clinical testing. Allele origin: germline.
Comment: This sequence change replaces leucine, which is neutral and non-polar, with proline, which is neutral and non-polar, at codon 69 of the DES protein (p.Leu69Pro). This variant is present in population databases (no rsID available, gnomAD 0.003%). This missense change has been observed in individual(s) with clinical features of DES-related conditions (PMID: 28798025, 35626289). ClinVar contains an entry for this variant (Variation ID: 1785367). Invitae Evidence Modeling of protein sequence and biophysical properties (such as structural, functional, and spatial information, amino acid conservation, physicochemical variation, residue mobility, and thermodynamic stability) indicates that this missense variant is not expected to disrupt DES protein function with a negative predictive value of 80%. In summary, the available evidence is currently insufficient to determine the role of this variant in disease. Therefore, it has been classified as a Variant of Uncertain Significance.

Blueprint Genetics
Classification: Uncertain significance. Last evaluated: 2024-07-17. Review status: criteria provided, single submitter. Criteria: ACMG Guidelines, 2015. Collection method: clinical testing. Allele origin: germline.

Revvity Omics, Revvity
Classification: Uncertain significance. Last evaluated: 2022-04-28. Review status: criteria provided, single submitter. Criteria: ACMG Guidelines, 2015. Collection method: clinical testing. Allele origin: germline.

Ambry Genetics
Classification: Uncertain significance for Cardiovascular phenotype. Last evaluated: 2021-07-01. Review status: criteria provided, single submitter. Criteria: Ambry Variant Classification Scheme 2023. Collection method: clinical testing. Allele origin: germline.
Comment: The p.L69P variant (also known as c.206T>C), located in coding exon 1 of the DES gene, results from a T to C substitution at nucleotide position 206. The leucine at codon 69 is replaced by proline, an amino acid with similar properties. This alteration has been reported in a subject with left ventricular non-compaction (LVNC) (Miszalski-Jamka K et al. Circ Cardiovasc Genet, 2017 Aug;10:). This amino acid position is not well conserved in available vertebrate species, and proline is the reference amino acid in other vertebrate species. In addition, the in silico prediction for this alteration is inconclusive. Since supporting evidence is limited at this time, the clinical significance of this alteration remains unclear.

Literature cited by the submitters: PubMed 28798025 (cited by Labcorp Genetics (formerly Invitae), Labcorp and Ambry Genetics); PubMed 35626289 (cited by Labcorp Genetics (formerly Invitae), Labcorp).